The following is an entry in ClinVar:

NM_000782.5(CYP24A1):c.469C>G (p.Arg157Gly)

Gene: CYP24A1 (cytochrome P450 family 24 subfamily A member 1; minus strand). Cytogenetic location: 20q13.2.
Variant type: single nucleotide variant.
Coding change: c.469C>G on transcript NM_000782.5 (MANE Select); coding-DNA position 469, C replaced by G.
Protein change: p.Arg157Gly; replaces arginine 157 with glycine.
Molecular consequence: missense variant.
Genome position (GRCh38, 1-based): chr20:54,171,651, G>C on the plus strand (C>G on the coding strand, the complement: CYP24A1 is on the minus strand). VCF-style: chr20-54171651-G-C. GRCh37 (hg19) VCF-style: chr20-52788190-G-C.
Other names: c.469C>G, p.Arg157Gly (NM_001128915.2); short protein forms R157G.
Identifiers: ClinVar variation 1373583 (VCV001373583.6), dbSNP rs35873579, ClinGen allele CA409392718.

ClinVar aggregate classification (germline): Uncertain significance (1 of 4 stars; one submission).

Submission:

Labcorp Genetics (formerly Invitae), Labcorp
Classification: Uncertain significance. Last evaluated: 2021-08-09. Review status: criteria provided, single submitter. Criteria: Invitae Variant Classification Sherloc (09022015). Collection method: clinical testing. Allele origin: germline.
Comment: This sequence change replaces arginine with glycine at codon 157 of the CYP24A1 protein (p.Arg157Gly). The arginine residue is highly conserved and there is a moderate physicochemical difference between arginine and glycine. This variant is not present in population databases (ExAC no frequency). This variant has not been reported in the literature in individuals affected with CYP24A1-related conditions. Algorithms developed to predict the effect of missense changes on protein structure and function are either unavailable or do not agree on the potential impact of this missense change (SIFT: "Deleterious"; PolyPhen-2: "Possibly Damaging"; Align-GVGD: "Class C15"). In summary, the available evidence is currently insufficient to determine the role of this variant in disease. Therefore, it has been classified as a Variant of Uncertain Significance.